The following is an entry in ClinVar:

ClinVar aggregate classification (germline): Likely pathogenic (1 of 4 stars; one submission).

Conditions:
Pseudohypoaldosteronism type 2D (PHA2D). Also called: FAMILIAL HYPERKALEMIC HYPERTENSION; PSEUDOHYPOALDOSTERONISM, TYPE IID, AUTOSOMAL DOMINANT OR RECESSIVE; Pseudohypoaldosteronism Type IID. Identifiers: Orphanet 300525, Orphanet 757, MedGen C3469605, MONDO:0013781, OMIM 614495.

gnomAD v4.1: 9 of 1,614,062 alleles (0.00056%); highest among the groups gnomAD compares: Non-Finnish European, 0.00068%; no homozygotes.

Submission:

3billion
Classification: Likely pathogenic for Pseudohypoaldosteronism type 2D. Last evaluated: 2025-12-09. Review status: criteria provided, single submitter. Criteria: ACMG Guidelines, 2015. Collection method: clinical testing. Allele origin: germline. Affected: yes.
Comment: The variant is observed at an extremely low frequency in the gnomAD v4.1.0 dataset (total allele frequency: <0.001%). Predicted Consequence/Location: Missense variant. Missense changes are a common disease-causing mechanism. In silico tool predictions suggest damaging effect of the variant on gene or gene product [REVEL: 0.88 (>=0.6, sensitivity 0.68 and specificity 0.92); 3Cnet: 0.65 (> 0.75, sensitivity 0.96 and precision 0.92)]. The same nucleotide change resulting in the same amino acid change has been previously reported to be associated with KLHL3-related disorder (PMID: 34622103).A different missense change at the same codon (p.Arg527Trp) has been reported to be associated with KLHL3-related disorder (PMID: 34622103). Therefore, this variant is classified as Likely pathogenic according to the recommendation of ACMG/AMP guideline.

Literature cited by the submitters: PubMed 34622103.

NM_017415.3(KLHL3):c.1580G>A (p.Arg527Gln)

Gene: KLHL3 (kelch like family member 3; minus strand). Cytogenetic location: 5q31.2.
Variant type: single nucleotide variant.
Coding change: c.1580G>A on transcript NM_017415.3 (MANE Select); coding-DNA position 1580, G replaced by A.
Protein change: p.Arg527Gln; replaces arginine 527 with glutamine.
Molecular consequence: missense variant.
Genome position (GRCh38, 1-based): chr5:137,628,308, C>T on the plus strand (G>A on the coding strand, the complement: KLHL3 is on the minus strand). VCF-style: chr5-137628308-C-T. GRCh37 (hg19) VCF-style: chr5-136963997-C-T.
Other names: c.1484G>A, p.Arg495Gln (NM_001257194.1); c.1334G>A, p.Arg445Gln (NM_001257195.2); short protein forms R445Q, R495Q, R527Q.
Identifiers: ClinVar variation 4856361 (VCV004856361.1).
Genomic context (GRCh38, chr5:137,628,308, plus strand): 5'-AGAAAAGGCACACAACCCCCAAAGGGGAGATGGAGAGAGCAGTCATTACCTGCGTTGCGC[C>T]GGCACATGTTCATGTCTGCCACTTGCTTCCAGGTATTTGTTCCAGGATCGTAAACCTCAA-3'
Protein context (NP_059111.2, residues 517-537): WKQVADMNMC[Arg527Gln]RNAGVCAVNG